The following is an entry in ClinVar:

ClinVar aggregate classification (germline): Pathogenic (1 of 4 stars; one submission).

Submission:

ISCA Site 6
Classification: Pathogenic. Last evaluated: 2011-08-12. Review status: criteria provided, single submitter. Criteria: Kaminsky et al. (Genet Med. 2011). Collection method: clinical testing. Allele origin: unknown. Affected: yes. Observed: 1 variant allele.
Comment: Copy number variation identified through the course of routine clinical cytogenomic testing in postnatal populations. Clinical assertions have been curated as described in Kaminsky et al. 2011.

GRCh38/hg38 7q11.23(chr7:72768821-74869255)x3

Genes: ABHD11 (abhydrolase domain containing 11; minus strand), ABHD11-AS1 (ABHD11 antisense RNA 1 (tail to tail); plus strand), BAZ1B (bromodomain adjacent to zinc finger domain 1B; minus strand), BCL7B (BAF chromatin remodeling complex subunit BCL7B; minus strand), BUD23 (BUD23 rRNA methyltransferase and ribosome maturation factor; plus strand) and 145 more. Cytogenetic location: 7q11.23.
Variant type: copy number gain.
Change: copy number 3 (three copies instead of two) of chr7:72,768,821-74,869,255 (2.10 Mb, GRCh38 coordinates, 1-based), cytogenetic band 7q11.23.
Identifiers: ClinVar variation 58218 (VCV000058218.3).